The following is an entry in ClinVar:

ClinVar aggregate classification (germline): Uncertain significance. Review status: criteria provided, multiple submitters, no conflicts (2 of 4 stars). 2 submissions from 2 submitters: Uncertain significance (2). Last evaluated 2023-03-28.

Conditions:
Cardiomyopathy (CMYO). Also called: Cardiomyopathies. Identifiers: Orphanet 167848, MedGen C0878544, MONDO:0004994, HP:0001638. Inheritance: Various modes of inheritance.
Hypertrophic cardiomyopathy. Also called: HYPERTROPHIC MYOCARDIOPATHY. Identifiers: Orphanet 217569, MedGen C0007194, MeSH D002312, MONDO:0005045, HP:0001639.

Submissions (2):

Color Diagnostics, LLC DBA Color Health
Classification: Uncertain significance for Cardiomyopathy. Last evaluated: 2023-03-28. Review status: criteria provided, single submitter. Criteria: ACMG Guidelines, 2015. Collection method: clinical testing. Allele origin: germline.
Comment: This missense variant replaces glutamine with arginine at codon 1184 of the MYH7 protein. Computational prediction is inconclusive regarding the impact of this variant on protein structure and function (internally defined REVEL score threshold 0.5 < inconclusive < 0.7, PMID: 27666373). To our knowledge, functional studies have not been reported for this variant. This variant has not been reported in individuals affected with MYH7-related disorders in the literature. This variant has not been identified in the general population by the Genome Aggregation Database (gnomAD). The available evidence is insufficient to determine the role of this variant in disease conclusively. Therefore, this variant is classified as a Variant of Uncertain Significance.

Labcorp Genetics (formerly Invitae), Labcorp
Classification: Uncertain significance for Hypertrophic cardiomyopathy. Last evaluated: 2022-06-27. Review status: criteria provided, single submitter. Criteria: Invitae Variant Classification Sherloc (09022015). Collection method: clinical testing. Allele origin: germline.
Comment: This sequence change replaces glutamine, which is neutral and polar, with arginine, which is basic and polar, at codon 1184 of the MYH7 protein (p.Gln1184Arg). This variant is not present in population databases (gnomAD no frequency). This variant has not been reported in the literature in individuals affected with MYH7-related conditions. ClinVar contains an entry for this variant (Variation ID: 454368). Algorithms developed to predict the effect of missense changes on protein structure and function are either unavailable or do not agree on the potential impact of this missense change (SIFT: "Deleterious"; PolyPhen-2: "Benign"; Align-GVGD: "Class C0"). In summary, the available evidence is currently insufficient to determine the role of this variant in disease. Therefore, it has been classified as a Variant of Uncertain Significance.

NM_000257.4(MYH7):c.3551A>G (p.Gln1184Arg)

Gene: MYH7 (myosin heavy chain 7; minus strand). Cytogenetic location: 14q11.2.
Variant type: single nucleotide variant.
Coding change: c.3551A>G on transcript NM_000257.4 (MANE Select); coding-DNA position 3551, A replaced by G.
Protein change: p.Gln1184Arg; replaces glutamine 1184 with arginine.
Molecular consequence: missense variant.
Genome position (GRCh38, 1-based): chr14:23,420,020, T>C on the plus strand (A>G on the coding strand, the complement: MYH7 is on the minus strand). VCF-style: chr14-23420020-T-C. GRCh37 (hg19) VCF-style: chr14-23889229-T-C.
Other names: short protein forms Q1184R.
Identifiers: ClinVar variation 454368 (VCV000454368.10), dbSNP rs546586969, ClinGen allele CA389043509.
Genomic context (GRCh38, chr14:23,420,020, plus strand): 5'-CCCAGCTCGGCCACGCTGTCGGCGTGCTTCTTGCGCAGGGCCGCGGCAGTGGCCTCGTGC[T>C]GCAGCGTGGCCTCCTCCAGGTCCCGCCGCATCTTCTGGAACTCGGCCTCGCGCTTCTTGT-3'
Protein context (NP_000248.2, residues 1174-1194): MRRDLEEATL[Gln1184Arg]HEATAAALRK